The following is an entry in ClinVar:

NM_020937.4(FANCM):c.5177C>T (p.Pro1726Leu)

Gene: FANCM (FA complementation group M; plus strand). Cytogenetic location: 14q21.2.
Variant type: single nucleotide variant.
Coding change: c.5177C>T on transcript NM_020937.4 (MANE Select); coding-DNA position 5177, C replaced by T.
Protein change: p.Pro1726Leu; replaces proline 1726 with leucine.
Molecular consequence: missense variant.
Genome position (GRCh38, 1-based): chr14:45,189,199, C>T. VCF-style: chr14-45189199-C-T. GRCh37 (hg19) VCF-style: chr14-45658402-C-T.
Other names: c.5099C>T, p.Pro1700Leu (NM_001308133.2); c.5177C>T (LRG_502t1); short protein forms P1726L, P1700L.
Identifiers: ClinVar variation 313226 (VCV000313226.17), dbSNP rs750384175, ClinGen allele CA7169923.

ClinVar aggregate classification (germline): Uncertain significance. Review status: criteria provided, multiple submitters, no conflicts (2 of 4 stars). 3 submissions from 3 submitters: Uncertain significance (3). Last evaluated 2025-11-09.

Conditions:
Fanconi anemia (FA). Also called: Fanconi's anemia. Identifiers: Orphanet 84, MedGen C0015625, MeSH D005199, MONDO:0019391.
Spermatogenic failure 28. Identifiers: MedGen C4748117, MONDO:0054732, OMIM 618086.
Premature ovarian failure 15. Identifiers: MedGen C4748170, MONDO:0054862, OMIM 618096.

Allele frequency attached by ClinVar (database versions not stated): gnomAD exomes 0.00009 and 0.00005; TOPMed 0.00011; ExAC 0.00004; gnomAD 0.00007 and 0.00008.
gnomAD v4.1: 143 of 1,614,008 alleles (0.0089%); highest among the groups gnomAD compares: Non-Finnish European, 0.011%; no homozygotes.

Submissions (3):

Labcorp Genetics (formerly Invitae), Labcorp
Classification: Uncertain significance for Fanconi anemia. Last evaluated: 2025-11-09. Review status: criteria provided, single submitter. Criteria: Invitae Variant Classification Sherloc (09022015). Collection method: clinical testing. Allele origin: germline.
Comment: This sequence change replaces proline, which is neutral and non-polar, with leucine, which is neutral and non-polar, at codon 1726 of the FANCM protein (p.Pro1726Leu). This variant is present in population databases (rs750384175, gnomAD 0.009%). This variant has not been reported in the literature in individuals affected with FANCM-related conditions. ClinVar contains an entry for this variant (Variation ID: 313226). An algorithm developed to predict the effect of missense changes on protein structure and function (PolyPhen-2) suggests that this variant is likely to be tolerated. In summary, the available evidence is currently insufficient to determine the role of this variant in disease. Therefore, it has been classified as a Variant of Uncertain Significance.

GeneDx
Classification: Uncertain significance. Last evaluated: 2025-06-24. Review status: criteria provided, single submitter. Criteria: GeneDx Variant Classification Process June 2021. Collection method: clinical testing. Allele origin: germline. Affected: yes.
Comment: Not observed at significant frequency in large population cohorts (gnomAD); In silico analysis suggests that this missense variant does not alter protein structure/function; Identified in individuals with ovarian and other cancers (PMID: 26689913, 27713038, 28717660, 28881617, 32268276); This variant is associated with the following publications: (PMID: 28717660, 26689913, 32268276, 27713038, 28881617)

Fulgent Genetics
Classification: Uncertain significance for Spermatogenic failure 28; Premature ovarian failure 15. Last evaluated: 2022-03-06. Review status: criteria provided, single submitter. Criteria: ACMG Guidelines, 2015. Collection method: clinical testing. Allele origin: unknown.